The following is an entry in ClinVar:

ClinVar aggregate classification (germline): Uncertain significance (1 of 4 stars; one submission).

Conditions:
Autoimmune lymphoproliferative syndrome type 2B. Also called: AUTOIMMUNE LYMPHOPROLIFERATIVE SYNDROME, TYPE IIB. Identifiers: Orphanet 275517, MedGen C1846545, MONDO:0011804, OMIM 607271.

Allele frequency attached by ClinVar (database versions not stated): gnomAD exomes 0.00001.

Submission:

Labcorp Genetics (formerly Invitae), Labcorp
Classification: Uncertain significance for Autoimmune lymphoproliferative syndrome type 2B. Last evaluated: 2019-10-14. Review status: criteria provided, single submitter. Criteria: Invitae Variant Classification Sherloc (09022015). Collection method: clinical testing. Allele origin: germline.
Comment: This variant has not been reported in the literature in individuals with CASP8-related conditions. This variant is not present in population databases (ExAC no frequency). This sequence change replaces aspartic acid with asparagine at codon 15 of the CASP8 protein (p.Asp15Asn). The aspartic acid residue is weakly conserved and there is a small physicochemical difference between aspartic acid and asparagine. In summary, the available evidence is currently insufficient to determine the role of this variant in disease. Therefore, it has been classified as a Variant of Uncertain Significance. Algorithms developed to predict the effect of missense changes on protein structure and function (SIFT, PolyPhen-2, Align-GVGD) all suggest that this variant is likely to be tolerated, but these predictions have not been confirmed by published functional studies and their clinical significance is uncertain.

NM_001372051.1(CASP8):c.43G>A (p.Asp15Asn)

Gene: CASP8 (caspase 8; plus strand). Cytogenetic location: 2q33.1.
Variant type: single nucleotide variant.
Coding change: c.43G>A on transcript NM_001372051.1 (MANE Select); coding-DNA position 43, G replaced by A.
Protein change: p.Asp15Asn; replaces aspartic acid 15 with asparagine.
Molecular consequence: missense variant. On other transcripts: 5 prime UTR variant (9), non-coding transcript variant (22), intron variant (3).
Genome position (GRCh38, 1-based): chr2:201,266,529, G>A. VCF-style: chr2-201266529-G-A. GRCh37 (hg19) VCF-style: chr2-202131252-G-A.
Other names: c.43G>A, p.Asp15Asn (NM_001080124.2, NM_001228.5, NM_001400645.1 and 21 more transcripts); c.220G>A, p.Asp74Asn (NM_001080125.2, NM_001400642.1, NM_001400665.1); c.-490G>A (NM_001400671.1, NM_001400673.1, NM_001400676.1 and 4 more transcripts); c.-671G>A (NM_001400674.1); c.-569G>A (NM_001400680.1); c.-4-4987G>A (NM_001400669.1); c.-227-4987G>A (NM_001400672.1, NM_001400675.1); short protein forms D74N, D15N.
Identifiers: ClinVar variation 957581 (VCV000957581.10), dbSNP rs1947837560, ClinGen allele CA350281315.